The following is an entry in ClinVar:

NM_014714.4(IFT140):c.1360-4_1360-3insCCGTGGTTCTTTTTTTTTTTTTTTTTTTTTTTTNNNNNNNNNNACCTCGTGATCCGCCCGCCTCGGCCTCCCAAAGTGCTGGGATTACAGGCGTGAGCCACCGCGCCCGGC

Genes: IFT140 (intraflagellar transport 140; minus strand), LOC105371046 (uncharacterized LOC105371046; plus strand). Cytogenetic location: 16p13.3.
Variant type: Microsatellite.
Coding change: c.1360-4_1360-3insCCGTGGTTCTTTTTTTTTTTTTTTTTTTTTTTTNNNNNNNNNNACCTCGTGATCCGCCCGCCTCGGCCTCCCAAAGTGCTGGGATTACAGGCGTGAGCCACCGCGCCCGGC on transcript NM_014714.4 (MANE Select); 4 bases into the intron before coding-DNA position 1360 through 3 bases into the intron before coding-DNA position 1360, CCGTGGTTCTTTTTTTTTTTTTTTTTTTTTTTTNNNNNNNNNNACCTCGTGATCCGCCCGCCTCGGCCTCCCAAAGTGCTGGGATTACAGGCGTGAGCCACCGCGCCCGGC inserted.
Molecular consequence: intron variant.
Genome position: GRCh38: chr16:1,583,390-1,583,402. GRCh37 (hg19), VCF-style position (the base before the change): chr16:1,633,390.
Identifiers: ClinVar variation 4718103 (VCV004718103.1).

ClinVar aggregate classification (germline): Uncertain significance (1 of 4 stars; one submission).

Conditions:
Saldino-Mainzer syndrome (SRTD9). Also called: CONORENAL SYNDROME; Renal dysplasia, retinal pigmentary dystrophy, cerebellar ataxia and skeletal dysplasia; SHORT-RIB THORACIC DYSPLASIA 9 WITHOUT POLYDACTYLY; short-rib thoracic dysplasia 9 with or without polydactyly. Identifiers: Orphanet 140969, MedGen C1849437, MONDO:0009964, OMIM 266920.

Submission:

Labcorp Genetics (formerly Invitae), Labcorp
Classification: Uncertain significance for Saldino-Mainzer syndrome. Last evaluated: 2025-04-22. Review status: criteria provided, single submitter. Criteria: Invitae Variant Classification Sherloc (09022015). Collection method: clinical testing. Allele origin: germline.
Comment: This sequence change falls in intron 11 of the IFT140 gene. It does not directly change the encoded amino acid sequence of the IFT140 protein. This variant is not present in population databases (gnomAD no frequency). This variant has been observed in individual(s) with retinitis pigmentosa (internal data). Experimental studies and prediction algorithms are not available or were not evaluated, and the effect of this variant on mRNA splicing is currently unknown. In summary, the available evidence is currently insufficient to determine the role of this variant in disease. Therefore, it has been classified as a Variant of Uncertain Significance.